The following is an entry in ClinVar:

NM_058216.3(RAD51C):c.883G>T (p.Ala295Ser)

Gene: RAD51C (RAD51 paralog C; plus strand). Cytogenetic location: 17q22.
Variant type: single nucleotide variant.
Coding change: c.883G>T on transcript NM_058216.3 (MANE Select); coding-DNA position 883, G replaced by T.
Protein change: p.Ala295Ser; replaces alanine 295 with serine.
Molecular consequence: missense variant. On other transcripts: non-coding transcript variant (1).
Genome position (GRCh38, 1-based): chr17:58,720,791, G>T. VCF-style: chr17-58720791-G-T. GRCh37 (hg19) VCF-style: chr17-56798152-G-T.
Other names: short protein forms A295S.
Identifiers: ClinVar variation 567756 (VCV000567756.8), dbSNP rs746571208, ClinGen allele CA400359706.

ClinVar aggregate classification (germline): Uncertain significance (1 of 4 stars; one submission).

Conditions:
Fanconi anemia complementation group O. Also called: RAD51C-Related Fanconi Anemia. Identifiers: Orphanet 84, MedGen C3150653, MONDO:0013248, OMIM 613390.

Submission:

Labcorp Genetics (formerly Invitae), Labcorp
Classification: Uncertain significance for Fanconi anemia complementation group O. Last evaluated: 2021-04-15. Review status: criteria provided, single submitter. Criteria: Invitae Variant Classification Sherloc (09022015). Collection method: clinical testing. Allele origin: germline.
Comment: In summary, the available evidence is currently insufficient to determine the role of this variant in disease. Therefore, it has been classified as a Variant of Uncertain Significance. Algorithms developed to predict the effect of missense changes on protein structure and function output the following: SIFT: "Tolerated"; PolyPhen-2: "Benign"; Align-GVGD: "Class C0". The serine amino acid residue is found in multiple mammalian species, suggesting that this missense change does not adversely affect protein function. These predictions have not been confirmed by published functional studies and their clinical significance is uncertain. This variant has not been reported in the literature in individuals with RAD51C-related disease. This variant is not present in population databases (ExAC no frequency). This sequence change replaces alanine with serine at codon 295 of the RAD51C protein (p.Ala295Ser). The alanine residue is weakly conserved and there is a moderate physicochemical difference between alanine and serine.